The following is an entry in ClinVar:

ClinVar aggregate classification (germline): Pathogenic. Review status: criteria provided, multiple submitters, no conflicts (2 of 4 stars). 5 submissions from 5 submitters: Pathogenic (3). 2 of the submissions do not count toward it. Last evaluated 2024-10-20.

Conditions:
Inborn genetic diseases. Identifiers: MedGen C0950123, MeSH D030342.
MCM3AP-related disorder. Also called: MCM3AP-related condition.
Peripheral neuropathy, autosomal recessive, with or without impaired intellectual development. Identifiers: MedGen C4748283, MONDO:0029131, OMIM 618124.

Allele frequency attached by ClinVar (database versions not stated): ExAC 0.00001; gnomAD exomes 0.00002 and 0.00003; gnomAD 0.00003 and 0.00004; TOPMed 0.00005.

Submissions (5):

Labcorp Genetics (formerly Invitae), Labcorp
Classification: Pathogenic. Last evaluated: 2024-10-20. Review status: criteria provided, single submitter. Criteria: Invitae Variant Classification Sherloc (09022015). Collection method: clinical testing. Allele origin: germline.
Comment: This sequence change creates a premature translational stop signal (p.Gln1159Argfs*8) in the MCM3AP gene. It is expected to result in an absent or disrupted protein product. Loss-of-function variants in MCM3AP are known to be pathogenic (PMID: 28633435). This variant is present in population databases (rs756431692, gnomAD 0.003%). This premature translational stop signal has been observed in individual(s) with clinical features of MCM3AP-related conditions (PMID: 32202298). ClinVar contains an entry for this variant (Variation ID: 1451462). For these reasons, this variant has been classified as Pathogenic.

Genomic Medicine Center of Excellence, King Faisal Specialist Hospital and Research Centre
Classification: Pathogenic for Peripheral neuropathy, autosomal recessive, with or without impaired intellectual development. Last evaluated: 2024-03-29. Review status: criteria provided, single submitter. Criteria: ACMG Guidelines, 2015. Collection method: clinical testing. Allele origin: germline.

Ambry Genetics
Classification: Pathogenic for Inborn genetic diseases. Last evaluated: 2022-07-07. Review status: criteria provided, single submitter. Criteria: Ambry Variant Classification Scheme 2023. Collection method: clinical testing. Allele origin: germline.
Comment: The c.3476_3477delAA (p.Q1159Rfs*8) alteration, located in exon 15 (coding exon 15) of the MCM3AP gene, consists of a deletion of 2 nucleotides from position 3476 to 3477, causing a translational frameshift with a predicted alternate stop codon after 8 amino acids. This alteration is expected to result in loss of function by premature protein truncation or nonsense-mediated mRNA decay. Based on data from gnomAD, the c.3476_3477delAA allele has an overall frequency of <0.01% (6/282852) total alleles studied. The highest observed frequency was 0.01% (1/10366) of Ashkenazi Jewish alleles. This alteration was confirmed in trans with another variant in a patient with childhood-onset severe hypotonia, developmental delay, and progressive neuropathy (Woldegebriel, 2020). Based on the available evidence, this alteration is classified as pathogenic.

PreventionGenetics, part of Exact Sciences
Classification: Pathogenic for MCM3AP-related condition. Last evaluated: 2024-02-29. Review status: no assertion criteria provided. Collection method: clinical testing. Allele origin: germline. Not counted in ClinVar's aggregate classification.
Comment: The MCM3AP c.3476_3477delAA variant is predicted to result in a frameshift and premature protein termination (p.Gln1159Argfs*8). This variant was reported in the compound heterozygous state in an individual with peripheral neuropathy with impaired intellectual development (Woldegebriel et al. 2020. PubMed ID: 32202298). This variant is reported in 0.0096% of alleles in individuals of Ashkenazi Jewish descent in gnomAD. Frameshift variants in MCM3AP are expected to be pathogenic. This variant is interpreted as pathogenic.

OMIM
Classification: Pathogenic for PERIPHERAL NEUROPATHY, AUTOSOMAL RECESSIVE, WITHOUT IMPAIRED INTELLECTUAL DEVELOPMENT. Last evaluated: 2022-04-21. Review status: no assertion criteria provided. Collection method: literature only. Allele origin: germline. Not counted in ClinVar's aggregate classification.

Literature cited by the submitters: PubMed 28633435 (cited by Labcorp Genetics (formerly Invitae), Labcorp); PubMed 32202298 (cited by 3 submitters).

NM_003906.5(MCM3AP):c.3476_3477del (p.Gln1159fs)

Gene: MCM3AP (minichromosome maintenance complex component 3 associated protein; minus strand). Cytogenetic location: 21q22.3.
Variant type: Deletion.
Coding change: c.3476_3477del on transcript NM_003906.5 (MANE Select); coding-DNA positions 3476 to 3477, 2 bases deleted (AA; older notation c.3476_3477delAA).
Protein change: p.Gln1159fs; shifts the reading frame from glutamine 1159.
Molecular consequence: frameshift variant.
Genome position (GRCh38, 1-based): chr21:46,260,897-46,260,898, TT deleted on the plus strand (AA on the coding strand, the reverse complement: MCM3AP is on the minus strand). VCF-style (leftmost placement, unchanged base first): chr21-46260896-CTT-C. GRCh37 (hg19) VCF-style: chr21-47680810-CTT-C.
Other names: c.3476_3477delAA (NM_003906.3, NM_003906.4); short protein forms Q1159fs.
Identifiers: ClinVar variation 1451462 (VCV001451462.11), dbSNP rs756431692, ClinGen allele CA10076480.